The following is an entry in ClinVar:

ClinVar aggregate classification (germline): Uncertain significance (1 of 4 stars; one submission).

Conditions:
Nephronophthisis 18 (NPHP18). Identifiers: Orphanet 655, MedGen C3890591, MONDO:0014374, OMIM 615862.

Allele frequency attached by ClinVar (database versions not stated): gnomAD exomes below 0.00001.
gnomAD v4.1: 1 of 1,614,068 alleles (0.000062%); highest among the groups gnomAD compares: East Asian, 0.0022%; no homozygotes.

Submission:

Labcorp Genetics (formerly Invitae), Labcorp
Classification: Uncertain significance for Nephronophthisis 18. Last evaluated: 2022-07-05. Review status: criteria provided, single submitter. Criteria: Invitae Variant Classification Sherloc (09022015). Collection method: clinical testing. Allele origin: germline.
Comment: This sequence change replaces cysteine with tyrosine at codon 221 of the CEP83 protein (p.Cys221Tyr). The cysteine residue is weakly conserved and there is a large physicochemical difference between cysteine and tyrosine. This variant is present in population databases (no rsID available, gnomAD 0.006%). This variant has not been reported in the literature in individuals affected with CEP83-related conditions. ClinVar contains an entry for this variant (Variation ID: 1373524). Algorithms developed to predict the effect of missense changes on protein structure and function output the following: SIFT: "Not Available"; PolyPhen-2: "Benign"; Align-GVGD: "Not Available". The tyrosine amino acid residue is found in multiple mammalian species, which suggests that this missense change does not adversely affect protein function. In summary, the available evidence is currently insufficient to determine the role of this variant in disease. Therefore, it has been classified as a Variant of Uncertain Significance.

NM_016122.3(CEP83):c.662G>A (p.Cys221Tyr)

Gene: CEP83 (centrosomal protein 83; minus strand). Cytogenetic location: 12q22.
Variant type: single nucleotide variant.
Coding change: c.662G>A on transcript NM_016122.3 (MANE Select); coding-DNA position 662, G replaced by A.
Protein change: p.Cys221Tyr; replaces cysteine 221 with tyrosine.
Molecular consequence: missense variant. On other transcripts: non-coding transcript variant (3).
Genome position (GRCh38, 1-based): chr12:94,378,930, C>T on the plus strand (G>A on the coding strand, the complement: CEP83 is on the minus strand). VCF-style: chr12-94378930-C-T. GRCh37 (hg19) VCF-style: chr12-94772706-C-T.
Other names: c.662G>A, p.Cys221Tyr (NM_001042399.2, NM_001346457.2, NM_001346460.2 and 3 more transcripts); c.350G>A, p.Cys117Tyr (NM_001346458.2, NM_001346459.2, NM_001346462.2 and 2 more transcripts); c.437G>A, p.Cys146Tyr (NM_001368041.1); c.125G>A, p.Cys42Tyr (NM_001368042.1); short protein forms C221Y, C117Y, C146Y, C42Y.
Identifiers: ClinVar variation 1373524 (VCV001373524.6), dbSNP rs1289383879, ClinGen allele CA386146895.